The following is an entry in ClinVar:

NM_001127644.2(GABRA1):c.379T>G (p.Phe127Val)

Gene: GABRA1 (gamma-aminobutyric acid type A receptor subunit alpha1; plus strand). Cytogenetic location: 5q34.
Variant type: single nucleotide variant.
Coding change: c.379T>G on transcript NM_001127644.2 (MANE Select); coding-DNA position 379, T replaced by G.
Protein change: p.Phe127Val; replaces phenylalanine 127 with valine.
Molecular consequence: missense variant.
Genome position (GRCh38, 1-based): chr5:161,873,240, T>G. VCF-style: chr5-161873240-T-G. GRCh37 (hg19) VCF-style: chr5-161300246-T-G.
Other names: c.379T>G, p.Phe127Val (NM_000806.5, NM_001127643.2, NM_001127645.2 and 1 more transcripts); short protein forms F127V.
Identifiers: ClinVar variation 2002789 (VCV002002789.4), dbSNP rs2532239457, ClinGen allele CA362178946.

ClinVar aggregate classification (germline): Uncertain significance (1 of 4 stars; one submission).

Conditions:
Epilepsy, idiopathic generalized, susceptibility to, 13. Also called: EPILEPSY, JUVENILE MYOCLONIC, SUSCEPTIBILITY TO, 5. Identifiers: Orphanet 307, Orphanet 64280, MedGen C4013473, MONDO:0012627, OMIM 611136.
Idiopathic generalized epilepsy. Also called: Generalised epilepsy; EIG. Identifiers: MedGen C0270850, MONDO:0005579, OMIM 600669.
Epilepsy, childhood absence 4 (ECA4). Also called: EPILEPSY, CHILDHOOD ABSENCE, SUSCEPTIBILITY TO, 4. Identifiers: Orphanet 307, MedGen C1970160.

Submission:

Labcorp Genetics (formerly Invitae), Labcorp
Classification: Uncertain significance for Epilepsy, childhood absence 4; Epilepsy, idiopathic generalized, susceptibility to, 13; Idiopathic generalized epilepsy. Last evaluated: 2022-06-08. Review status: criteria provided, single submitter. Criteria: Invitae Variant Classification Sherloc (09022015). Collection method: clinical testing. Allele origin: germline.
Comment: This variant is not present in population databases (gnomAD no frequency). This sequence change replaces phenylalanine, which is neutral and non-polar, with valine, which is neutral and non-polar, at codon 127 of the GABRA1 protein (p.Phe127Val). This variant has not been reported in the literature in individuals affected with GABRA1-related conditions. Algorithms developed to predict the effect of missense changes on protein structure and function are either unavailable or do not agree on the potential impact of this missense change (SIFT: "Deleterious"; PolyPhen-2: "Benign"; Align-GVGD: "Class C45"). In summary, the available evidence is currently insufficient to determine the role of this variant in disease. Therefore, it has been classified as a Variant of Uncertain Significance.